The following is an entry in ClinVar:

NM_016239.4(MYO15A):c.5529C>A (p.Asp1843Glu)

Gene: MYO15A (myosin XVA; plus strand). Cytogenetic location: 17p11.2.
Variant type: single nucleotide variant.
Coding change: c.5529C>A on transcript NM_016239.4 (MANE Select); coding-DNA position 5529, C replaced by A.
Protein change: p.Asp1843Glu; replaces aspartic acid 1843 with glutamic acid.
Molecular consequence: missense variant.
Genome position (GRCh38, 1-based): chr17:18,141,141, C>A. VCF-style: chr17-18141141-C-A. GRCh37 (hg19) VCF-style: chr17-18044455-C-A.
Other names: short protein forms D1843E.
Identifiers: ClinVar variation 2578108 (VCV002578108.2), dbSNP rs1000885373, ClinGen allele CA398601540.

ClinVar aggregate classification (germline): Uncertain significance (1 of 4 stars; one submission).

gnomAD v4.1: 3 of 1,613,636 alleles (0.00019%); highest among the groups gnomAD compares: Non-Finnish European, 0.00025%; no homozygotes.

Submission:

GeneDx
Classification: Uncertain significance. Last evaluated: 2025-10-12. Review status: criteria provided, single submitter. Criteria: GeneDx Variant Classification Process June 2021. Collection method: clinical testing. Allele origin: germline. Affected: yes.
Comment: Not observed at significant frequency in large population cohorts (gnomAD); In silico analysis suggests that this missense variant does not alter protein structure/function; Has not been previously published as pathogenic or benign to our knowledge